The following is an entry in ClinVar:

ClinVar aggregate classification (germline): Uncertain significance. Review status: criteria provided, multiple submitters, no conflicts (2 of 4 stars). 2 submissions from 2 submitters: Uncertain significance (2). Last evaluated 2025-04-07.

Conditions:
DICER1-related tumor predisposition. Also called: DICER1 syndrome; DICER1-related pleuropulmonary blastoma cancer predisposition syndrome. Identifiers: Orphanet 284343, MedGen C3839822, MONDO:0100216.
Hereditary cancer-predisposing syndrome. Also called: Hereditary neoplastic syndrome; Neoplastic Syndromes, Hereditary; Hereditary Cancer Syndrome; Tumor predisposition. Identifiers: Orphanet 140162, MedGen C0027672, MeSH D009386, MONDO:0015356.

Submissions (2):

Ambry Genetics
Classification: Uncertain significance for Hereditary cancer-predisposing syndrome. Last evaluated: 2025-04-07. Review status: criteria provided, single submitter. Criteria: Ambry Variant Classification Scheme 2023. Collection method: clinical testing. Allele origin: germline.
Comment: The p.P956Q variant (also known as c.2867C>A), located in coding exon 17 of the DICER1 gene, results from a C to A substitution at nucleotide position 2867. The proline at codon 956 is replaced by glutamine, an amino acid with similar properties. This amino acid position is conserved. In addition, the in silico prediction for this alteration is inconclusive. Based on the available evidence, the clinical significance of this variant remains unclear.

Labcorp Genetics (formerly Invitae), Labcorp
Classification: Uncertain significance for DICER1-related tumor predisposition. Last evaluated: 2022-02-19. Review status: criteria provided, single submitter. Criteria: Invitae Variant Classification Sherloc (09022015). Collection method: clinical testing. Allele origin: germline.
Comment: This sequence change replaces proline, which is neutral and non-polar, with glutamine, which is neutral and polar, at codon 956 of the DICER1 protein (p.Pro956Gln). This variant is not present in population databases (gnomAD no frequency). This variant has not been reported in the literature in individuals affected with DICER1-related conditions. Algorithms developed to predict the effect of missense changes on protein structure and function (SIFT, PolyPhen-2, Align-GVGD) all suggest that this variant is likely to be disruptive. In summary, the available evidence is currently insufficient to determine the role of this variant in disease. Therefore, it has been classified as a Variant of Uncertain Significance.

NM_177438.3(DICER1):c.2867C>A (p.Pro956Gln)

Gene: DICER1 (dicer 1, ribonuclease III; minus strand). Cytogenetic location: 14q32.13.
Variant type: single nucleotide variant.
Coding change: c.2867C>A on transcript NM_177438.3 (MANE Select); coding-DNA position 2867, C replaced by A.
Protein change: p.Pro956Gln; replaces proline 956 with glutamine.
Molecular consequence: missense variant.
Genome position (GRCh38, 1-based): chr14:95,106,161, G>T on the plus strand (C>A on the coding strand, the complement: DICER1 is on the minus strand). VCF-style: chr14-95106161-G-T. GRCh37 (hg19) VCF-style: chr14-95572498-G-T.
Other names: c.2867C>A, p.Pro956Gln (NM_001195573.1, NM_001271282.3, NM_001291628.2 and 1 more transcripts); c.2867C>A (NM_177438.2); short protein forms P956Q.
Identifiers: ClinVar variation 1397205 (VCV001397205.11), dbSNP rs2140000164, ClinGen allele CA390879076.
Genomic context (GRCh38, chr14:95,106,161, plus strand): 5'-TACTTTGTTTTATAATATTCTGCAAAAGTTTCATACTCAGGGGAAGGAAATTTACTGAGT[G>T]GGGTAAGATCAGTGTACACATCAGCTACATAAAATCGATGAGGCTGATCAAAATTGCGAT-3'
Protein context (NP_803187.1, residues 946-966): YVADVYTDLT[Pro956Gln]LSKFPSPEYE